The following is an entry in ClinVar:

ClinVar aggregate classification (germline): Uncertain significance (1 of 4 stars; one submission).

Conditions:
BBS5-related disorder. Also called: BBS5-related condition.

gnomAD v4.1: 7 of 1,613,470 alleles (0.00043%); highest among the groups gnomAD compares: Non-Finnish European, 0.00042%; no homozygotes.

Submission:

PreventionGenetics, part of Exact Sciences
Classification: Uncertain significance for BBS5-related condition. Last evaluated: 2026-06-18. Review status: criteria provided, single submitter. Criteria: ACMG Guidelines, 2015. Collection method: clinical testing. Allele origin: germline.
Comment: The BBS5 c.314G>A variant is predicted to result in the amino acid substitution p.Arg105His. To our knowledge, this variant has not been reported in the literature. This variant is reported in 0.0026% of alleles in individuals of European (Non-Finnish) descent in gnomAD. At this time, the clinical significance of this variant is uncertain due to the absence of conclusive functional and genetic evidence.

NM_152384.3(BBS5):c.314G>A (p.Arg105His)

Gene: BBS5 (Bardet-Biedl syndrome 5; plus strand). Cytogenetic location: 2q31.1.
Variant type: single nucleotide variant.
Coding change: c.314G>A on transcript NM_152384.3 (MANE Select); coding-DNA position 314, G replaced by A.
Protein change: p.Arg105His; replaces arginine 105 with histidine.
Molecular consequence: missense variant.
Genome position (GRCh38, 1-based): chr2:169,488,042, G>A. VCF-style: chr2-169488042-G-A. GRCh37 (hg19) VCF-style: chr2-170344552-G-A.
Other names: short protein forms R105H.
Identifiers: ClinVar variation 4984398 (VCV004984398.1).